The following is an entry in ClinVar:

ClinVar aggregate classification (germline): Likely benign. Review status: criteria provided, single submitter (1 of 4 stars). 2 submissions from 2 submitters: Likely benign (1). 1 of the submissions does not count toward it. Last evaluated 2024-10-29.

Conditions:
CFAP57-related disorder. Also called: CFAP57-related condition.

Allele frequency attached by ClinVar (database versions not stated): TOPMed 0.00008; gnomAD 0.00026; 1000 Genomes Project 30x 0.00078; 1000 Genomes Project 0.00100; ExAC 0.00399.
gnomAD v4.1: 492 of 1,524,268 alleles (0.032%); highest among the groups gnomAD compares: South Asian, 0.48%; 4 homozygotes.

Submissions (2):

Blueprint Genetics
Classification: Likely benign. Last evaluated: 2024-10-29. Review status: criteria provided, single submitter. Criteria: ACMG Guidelines, 2015. Collection method: clinical testing. Allele origin: germline.

PreventionGenetics, part of Exact Sciences
Classification: Likely benign for CFAP57-related condition. Last evaluated: 2019-06-08. Review status: no assertion criteria provided. Collection method: clinical testing. Allele origin: germline. Not counted in ClinVar's aggregate classification.
Comment: This variant is classified as likely benign based on ACMG/AMP sequence variant interpretation guidelines (Richards et al. 2015 PMID: 25741868, with internal and published modifications).

NM_001378189.1(CFAP57):c.2898T>C (p.Asn966=)

Genes: CFAP57 (cilia and flagella associated protein 57; plus strand), EBNA1BP2 (EBNA1 binding protein 2; minus strand), LOC105378685 (uncharacterized LOC105378685; minus strand). Cytogenetic location: 1p34.2.
Variant type: single nucleotide variant.
Coding change: c.2898T>C on transcript NM_001378189.1 (MANE Select); coding-DNA position 2898, T replaced by C.
Protein change: p.Asn966=; no amino-acid change (asparagine 966 retained).
Molecular consequence: synonymous variant.
Genome position (GRCh38, 1-based): chr1:43,227,015, T>C. VCF-style: chr1-43227015-T-C. GRCh37 (hg19) VCF-style: chr1-43692686-T-C.
Other names: c.2898T>C, p.Asn966= (NM_001195831.3).
Identifiers: ClinVar variation 3044492 (VCV003044492.3), dbSNP rs540417591, ClinGen allele CA804944.
Genomic context (GRCh38, chr1:43,227,015, plus strand): 5'-TCTCACTTCTCTCTCATCTCACCCCCAGGAGAAGCGAATTTATGATCTGAAAAAGAAAAA[T>C]CAAGAACTAGGGAAATTCAAGTTTGTGCTTGACTACAAAATAAAGGAGCTGAAGAAGCAA-3'
Protein context (NP_001365118.1, residues 956-976): EKRIYDLKKK[Asn966=]QELGKFKFVL